The following is an entry in ClinVar:

NM_002617.4(PEX10):c.191C>G (p.Ala64Gly)

Gene: PEX10 (peroxisomal biogenesis factor 10; minus strand). Cytogenetic location: 1p36.32.
Variant type: single nucleotide variant.
Coding change: c.191C>G on transcript NM_002617.4 (MANE Select); coding-DNA position 191, C replaced by G.
Protein change: p.Ala64Gly; replaces alanine 64 with glycine.
Molecular consequence: missense variant. On other transcripts: non-coding transcript variant (1), 5 prime UTR variant (2).
Genome position (GRCh38, 1-based): chr1:2,410,373, G>C on the plus strand (C>G on the coding strand, the complement: PEX10 is on the minus strand). VCF-style: chr1-2410373-G-C. GRCh37 (hg19) VCF-style: chr1-2341812-G-C.
Other names: c.191C>G, p.Ala64Gly (NM_153818.2, NM_001374425.1); c.-242C>G (NM_001374426.1, NM_001374427.1); short protein forms A64G.
Identifiers: ClinVar variation 2417917 (VCV002417917.5), dbSNP rs748282979, ClinGen allele CA538275.

ClinVar aggregate classification (germline): Uncertain significance (1 of 4 stars; one submission).

Conditions:
Peroxisome biogenesis disorder, complementation group 7 (CG7). Also called: Peroxisome biogenesis disorder, complementation group B. Identifiers: MedGen C1864399.

Allele frequency attached by ClinVar (database versions not stated): gnomAD exomes below 0.00001; TOPMed below 0.00001; ExAC 0.00002.

Submission:

Labcorp Genetics (formerly Invitae), Labcorp
Classification: Uncertain significance for Peroxisome biogenesis disorder, complementation group 7. Last evaluated: 2024-10-23. Review status: criteria provided, single submitter. Criteria: Invitae Variant Classification Sherloc (09022015). Collection method: clinical testing. Allele origin: germline.
Comment: This sequence change replaces alanine, which is neutral and non-polar, with glycine, which is neutral and non-polar, at codon 64 of the PEX10 protein (p.Ala64Gly). This variant is present in population databases (rs748282979, gnomAD 0.01%). This variant has not been reported in the literature in individuals affected with PEX10-related conditions. ClinVar contains an entry for this variant (Variation ID: 2417917). An algorithm developed to predict the effect of missense changes on protein structure and function (PolyPhen-2) suggests that this variant is likely to be tolerated. Algorithms developed to predict the effect of sequence changes on RNA splicing suggest that this variant may disrupt the consensus splice site. In summary, the available evidence is currently insufficient to determine the role of this variant in disease. Therefore, it has been classified as a Variant of Uncertain Significance.